The following is an entry in ClinVar:

NM_000321.3(RB1):c.288_289delinsA (p.Glu97fs)

Gene: RB1 (RB transcriptional corepressor 1; plus strand). Cytogenetic location: 13q14.2.
Variant type: Indel.
Coding change: c.288_289delinsA on transcript NM_000321.3 (MANE Select); coding-DNA positions 288 to 289, GG replaced by A.
Protein change: p.Glu97fs; shifts the reading frame from glutamic acid 97.
Molecular consequence: frameshift variant.
Genome position (GRCh38, 1-based): chr13:48,342,622-48,342,623, GG replaced by A. VCF-style: chr13-48342622-GG-A. GRCh37 (hg19) VCF-style: chr13-48916758-GG-A.
Other names: c.288_289delinsA, p.Glu97fs (NM_001407165.1, NM_001407166.1); short protein forms E97fs.
Identifiers: ClinVar variation 3237120 (VCV003237120.1), dbSNP rs2542155892.
Genomic context (GRCh38, chr13:48,342,622, plus strand): 5'-TTTAATGAAATATTTGATCTTTATTTTTTGTTCCCAGGGAGGTTATATTCAAAAGAAAAA[GG>A]AACTGTGGGGAATCTGTATCTTTATTGCAGCAGTTGACCTAGATGAGATGTCGTTCACTT-3'

ClinVar aggregate classification (germline): Pathogenic (1 of 4 stars; one submission).

Conditions:
Retinoblastoma (RB1). Also called: RETINOBLASTOMA, SOMATIC. Identifiers: Orphanet 790, MedGen C0035335, MeSH D012175, MONDO:0008380, OMIM 180200, HP:0009919. Disease mechanism: loss of function. Inheritance: Both sporadic and heritable forms are tested..

Submission:

Genetic Diagnostic Laboratory, University of Pennsylvania School of Medicine
Classification: Pathogenic for Retinoblastoma. Last evaluated: 2024-05-20. Review status: criteria provided, single submitter. Criteria: ACMG Guidelines, 2015. Collection method: clinical testing. Allele origin: germline. Affected: yes. Observed: 1 variant allele.
Comment: Case and Pedigree Information: BILATERAL CASES:1, UNILATERAL CASES:0, TOTAL CASES:1, PEDIGREES:1. ACMG Codes Applied:PVS1, PM2